The following is an entry in ClinVar:

ClinVar aggregate classification (germline): Uncertain significance. Review status: criteria provided, multiple submitters, no conflicts (2 of 4 stars). 5 submissions from 5 submitters: Uncertain significance (5). Last evaluated 2025-10-09.

Conditions:
RYR1-related disorder. Also called: RYR1-related condition; RYR1-related disorders. Identifiers: MedGen CN239331.
Malignant hyperthermia, susceptibility to, 1 (MHS1). Also called: RYR1-Related Malignant Hyperthermia Susceptibility; Anesthesia related hyperthermia; Malignant hyperpyrexia; Fulminating hyperpyrexia; Pharmacogenic myopathy; Malignant hyperthermia suceptibility 1. Identifiers: Orphanet 423, MedGen C2930980, MONDO:0007783, OMIM 145600.
Central core myopathy (CMYO1A). Also called: CONGENITAL MYOPATHY 1A, AUTOSOMAL DOMINANT, WITH SUSCEPTIBILITY TO MALIGNANT HYPERTHERMIA; Central core disease; Myopathy, central fibrillar. Identifiers: Orphanet 597, MedGen C5830701, MONDO:0007294, OMIM 117000.
King Denborough syndrome (KDS). Identifiers: MedGen C1840365, MONDO:0020485, OMIM 619542.
Congenital myopathy with fiber type disproportion. Also called: Congenital fiber-type disproportion myopathy; Congenital fiber-type disproportion. Identifiers: Orphanet 2020, MedGen C0546264, MONDO:0009711. Inheritance: all.
Congenital multicore myopathy with external ophthalmoplegia (CMYO1B). Also called: Minicore myopathy with external ophthalmoplegia; Congenital myopathy 1B, autosomal recessive; Minicore myopathy; MULTICORE MYOPATHY; MULTIMINICORE DISEASE WITH EXTERNAL OPHTHALMOPLEGIA. Identifiers: Orphanet 598, Orphanet 98905, MedGen C1850674, MONDO:0009712, OMIM 255320, HP:0003789.

Submissions (5):

Labcorp Genetics (formerly Invitae), Labcorp
Classification: Uncertain significance for RYR1-related disorder. Last evaluated: 2025-10-09. Review status: criteria provided, single submitter. Criteria: Invitae Variant Classification Sherloc (09022015). Collection method: clinical testing. Allele origin: germline.
Comment: This sequence change replaces serine, which is neutral and polar, with leucine, which is neutral and non-polar, at codon 4073 of the RYR1 protein (p.Ser4073Leu). This variant is present in population databases (no rsID available, gnomAD 0.0004%). This variant has not been reported in the literature in individuals affected with RYR1-related conditions. ClinVar contains an entry for this variant (Variation ID: 590398). An algorithm developed to predict the effect of missense changes on protein structure and function (PolyPhen-2) suggests that this variant is likely to be tolerated. In summary, the available evidence is currently insufficient to determine the role of this variant in disease. Therefore, it has been classified as a Variant of Uncertain Significance.

GeneDx
Classification: Uncertain significance. Last evaluated: 2025-09-23. Review status: criteria provided, single submitter. Criteria: GeneDx Variant Classification Process June 2021. Collection method: clinical testing. Allele origin: germline.
Comment: Not observed at significant frequency in large population cohorts (gnomAD); In silico analysis supports a deleterious effect on protein structure/function; Has not been previously published as pathogenic or benign to our knowledge; In-frame deletion of 1 amino acid(s) and insertion of 1 different amino acid(s) with an unclear effect on protein function

Color Diagnostics, LLC DBA Color Health
Classification: Uncertain significance for Malignant hyperthermia, susceptibility to, 1. Last evaluated: 2025-07-25. Review status: criteria provided, single submitter. Criteria: ACMG Guidelines, 2015. Collection method: clinical testing. Allele origin: germline.
Comment: This missense variant replaces serine with leucine at codon 4073 of the RYR1 protein. To our knowledge, functional studies have not been reported for this variant. This variant has not been reported in individuals affected with malignant hyperthermia susceptibility. This variant has not been identified in the general population by the Genome Aggregation Database (gnomAD). The available evidence is insufficient to determine the role of this variant in disease conclusively. Therefore, this variant is classified as a Variant of Uncertain Significance.

Fulgent Genetics
Classification: Uncertain significance for Central core myopathy; Malignant hyperthermia, susceptibility to, 1; Congenital myopathy 4A, autosomal dominant; Congenital multicore myopathy with external ophthalmoplegia; King Denborough syndrome. Last evaluated: 2021-08-03. Review status: criteria provided, single submitter. Criteria: ACMG Guidelines, 2015. Collection method: clinical testing. Allele origin: unknown.

PreventionGenetics, part of Exact Sciences
Classification: Uncertain significance. Last evaluated: 2017-02-03. Review status: criteria provided, single submitter. Criteria: ACMG Guidelines, 2015. Collection method: clinical testing. Allele origin: germline.

NM_000540.3(RYR1):c.12218_12219delinsTA (p.Ser4073Leu)

Gene: RYR1 (ryanodine receptor 1; plus strand). Cytogenetic location: 19q13.2.
Variant type: Indel.
Coding change: c.12218_12219delinsTA on transcript NM_000540.3 (MANE Select); coding-DNA positions 12218 to 12219, CT replaced by TA.
Protein change: p.Ser4073Leu; replaces serine 4073 with leucine.
Molecular consequence: missense variant.
Genome position (GRCh38, 1-based): chr19:38,548,356-38,548,357, CT replaced by TA. VCF-style: chr19-38548356-CT-TA. GRCh37 (hg19) VCF-style: chr19-39038996-CT-TA.
Other names: c.12203_12204delinsTA, p.Ser4068Leu (NM_001042723.2); short protein forms S4068L, S4073L.
Identifiers: ClinVar variation 590398 (VCV000590398.14), dbSNP rs1568562966, ClinGen allele CA891863125.